The following is an entry in ClinVar:

NM_000535.7(PMS2):c.1221del (p.Thr408fs)

Gene: PMS2 (PMS1 homolog 2, mismatch repair system component; minus strand). Cytogenetic location: 7p22.1.
Variant type: Deletion.
Coding change: c.1221del on transcript NM_000535.7 (MANE Select); coding-DNA position 1221, one base deleted (G; older notation c.1221delG).
Protein change: p.Thr408fs; shifts the reading frame from threonine 408.
Molecular consequence: frameshift variant. On other transcripts: non-coding transcript variant (1).
Genome position (GRCh38, 1-based): chr7:5,987,544, C deleted on the plus strand (G on the coding strand, the reverse complement: PMS2 is on the minus strand); the first of 2 consecutive C bases (chr7:5,987,544-5,987,545); deleting either gives the same sequence. VCF-style (leftmost placement, unchanged base first): chr7-5987543-TC-T. GRCh37 (hg19) VCF-style: chr7-6027174-TC-T.
Other names: c.816del, p.Thr273fs (NM_001322003.2, NM_001322004.2, NM_001322005.2 and 1 more transcripts); c.1065del, p.Thr356fs (NM_001322006.2); c.903del, p.Thr302fs (NM_001322007.2, NM_001322008.2); c.660del, p.Thr221fs (NM_001322010.2); c.288del, p.Thr97fs (NM_001322011.2, NM_001322012.2); c.648del, p.Thr217fs (NM_001322013.2); c.1221del, p.Thr408fs (NM_001322014.2); c.912del, p.Thr305fs (NM_001322015.2); and 1 more; short protein forms T273fs, T217fs, T305fs, T97fs, T221fs, T302fs, T408fs, T356fs.
Identifiers: ClinVar variation 9235 (VCV000009235.11), dbSNP rs587776715, ClinGen allele CA009346.

ClinVar aggregate classification (germline): Pathogenic. Review status: reviewed by expert panel (3 of 4 stars). 5 submissions from 5 submitters: Pathogenic (1). 4 of the submissions do not count toward it. Last evaluated 2013-09-05.

Conditions:
Hereditary nonpolyposis colorectal neoplasms. Identifiers: MedGen C0009405, MeSH D003123.
Hereditary cancer-predisposing syndrome. Also called: Tumor predisposition; Hereditary neoplastic syndrome; Hereditary Cancer Syndrome; Neoplastic Syndromes, Hereditary. Identifiers: Orphanet 140162, MedGen C0027672, MeSH D009386, MONDO:0015356.
Mismatch repair cancer syndrome 4. Identifiers: MedGen C5436817, MONDO:0030843, OMIM 619101.
Lynch syndrome. Identifiers: Orphanet 144, MedGen C4552100, MONDO:0005835. Disease mechanism: loss of function.

Submissions (5):

International Society for Gastrointestinal Hereditary Tumours (InSiGHT)
Classification: Pathogenic for Lynch Syndrome. Last evaluated: 2013-09-05. Review status: reviewed by expert panel. Criteria: Guidelines v1.9. Collection method: research. Allele origin: germline.
Comment: Coding sequence variation resulting in a stop codon

Classified with v1.9 guidelines

Quest Diagnostics Nichols Institute San Juan Capistrano
Classification: Pathogenic. Last evaluated: 2025-03-26. Review status: criteria provided, single submitter. Criteria: Quest Diagnostics criteria. Collection method: clinical testing. Allele origin: unknown. Not counted in ClinVar's aggregate classification.
Comment: The PMS2 c.1221del (p.Thr408Leufs*40) variant alters the translational reading frame of the PMS2 mRNA and causes the premature termination of PMS2 protein synthesis. This variant has been reported in the published literature in individuals with Turcot's syndrome (PMID: 10763829 (2000)), breast cancer (PMID: 39663696 (2024)). This variant has not been reported in large, multi-ethnic general populations (Genome Aggregation Database). Based on the available information, this variant is classified as pathogenic.

Labcorp Genetics (formerly Invitae), Labcorp
Classification: Pathogenic for Hereditary nonpolyposis colorectal neoplasms. Last evaluated: 2024-05-01. Review status: criteria provided, single submitter. Criteria: Invitae Variant Classification Sherloc (09022015). Collection method: clinical testing. Allele origin: germline. Not counted in ClinVar's aggregate classification.
Comment: This sequence change creates a premature translational stop signal (p.Thr408Leufs*40) in the PMS2 gene. It is expected to result in an absent or disrupted protein product. Loss-of-function variants in PMS2 are known to be pathogenic (PMID: 21376568, 24362816). This variant is not present in population databases (gnomAD no frequency). This premature translational stop signal has been observed in individual(s) with clinical features of constitutional mismatch repair deficiency (PMID: 10763829). In at least one individual the data is consistent with being in trans (on the opposite chromosome) from a pathogenic variant. ClinVar contains an entry for this variant (Variation ID: 9235). For these reasons, this variant has been classified as Pathogenic.

Ambry Genetics
Classification: Pathogenic for Hereditary cancer-predisposing syndrome. Last evaluated: 2023-03-20. Review status: criteria provided, single submitter. Criteria: Ambry Variant Classification Scheme 2023. Collection method: clinical testing. Allele origin: germline. Not counted in ClinVar's aggregate classification.
Comment: The c.1221delG pathogenic mutation, located in coding exon 11 of the PMS2 gene, results from a deletion of one nucleotide at nucleotide position 1221, causing a translational frameshift with a predicted alternate stop codon (p.T408Lfs*40). This variant has been confirmed in trans with a PMS2 pathogenic variant in an individual diagnosed with Turcot's syndrome (De Rosa M et al. Oncogene, 2000 Mar;19:1719-23). This variant is considered to be rare based on population cohorts in the Genome Aggregation Database (gnomAD). In addition to the clinical data presented in the literature, this alteration is expected to result in loss of function by premature protein truncation or nonsense-mediated mRNA decay. As such, this alteration is interpreted as a disease-causing mutation.

OMIM
Classification: Pathogenic for MISMATCH REPAIR CANCER SYNDROME 4. Last evaluated: 2000-03-23. Review status: no assertion criteria provided. Collection method: literature only. Allele origin: unknown. Not counted in ClinVar's aggregate classification.

Literature cited by the submitters: PubMed 10763829 (cited by 4 submitters); PubMed 39663696 (cited by Quest Diagnostics Nichols Institute San Juan Capistrano); PubMed 21376568 (cited by Labcorp Genetics (formerly Invitae), Labcorp); PubMed 24362816 (cited by Labcorp Genetics (formerly Invitae), Labcorp).